The following is an entry in ClinVar:

ClinVar aggregate classification (germline): Benign/Likely benign. Review status: criteria provided, multiple submitters, no conflicts (2 of 4 stars). 6 submissions from 6 submitters: Benign (2); Likely benign (4). Last evaluated 2026-09-01.

Conditions:
Mitochondrial DNA depletion syndrome 11 (MTDPS11). Identifiers: Orphanet 352447, MedGen C3554462, MONDO:0014039, OMIM 615084.

Allele frequency attached by ClinVar (database versions not stated): 1000 Genomes Project 30x 0.00437; 1000 Genomes Project 0.00439; gnomAD exomes 0.00745; gnomAD 0.00768; TOPMed 0.00783; ExAC 0.00788; ESP Exome Variant Server 0.01046.
gnomAD v4.1: 19,799 of 1,613,998 alleles (1.2%); highest among the groups gnomAD compares: Non-Finnish European, 1.6%; 164 homozygotes.

Submissions (6):

CeGaT Center for Human Genetics Tuebingen
Classification: Benign. Last evaluated: 2026-09-01. Review status: criteria provided, single submitter. Criteria: CeGaT Center For Human Genetics Tuebingen Variant Classification Criteria Version 2. Collection method: clinical testing. Allele origin: germline. Affected: yes. Observed: 44 variant alleles.
Comment: MGME1: BS1, BS2

Labcorp Genetics (formerly Invitae), Labcorp
Classification: Benign. Last evaluated: 2026-02-01. Review status: criteria provided, single submitter. Criteria: Invitae Variant Classification Sherloc (09022015). Collection method: clinical testing. Allele origin: germline.

Mayo Clinic Laboratories, Mayo Clinic
Classification: Likely benign. Last evaluated: 2025-10-07. Review status: criteria provided, single submitter. Criteria: ACMG Guidelines, 2015. Collection method: clinical testing. Allele origin: germline. Observed: 24 variant alleles.
Comment: BA1, BS2, BP4

Mendelics
Classification: Likely benign for Mitochondrial DNA depletion syndrome 11. Last evaluated: 2019-05-28. Review status: criteria provided, single submitter. Criteria: Mendelics Assertion Criteria 2017. Collection method: clinical testing. Allele origin: unknown.

GeneDx
Classification: Likely benign. Last evaluated: 2018-02-16. Review status: criteria provided, single submitter. Criteria: GeneDx Variant Classification (06012015). Collection method: clinical testing. Allele origin: germline. Affected: yes.
Comment: This variant is considered likely benign or benign based on one or more of the following criteria: it is a conservative change, it occurs at a poorly conserved position in the protein, it is predicted to be benign by multiple in silico algorithms, and/or has population frequency not consistent with disease.

Center for Pediatric Genomic Medicine, Children's Mercy Hospital and Clinics
Classification: Likely benign. Last evaluated: 2016-02-01. Review status: criteria provided, single submitter. Criteria: ACMG Guidelines, 2015. Collection method: clinical testing. Allele origin: germline.
ClinVar note: Converted during submission from Likely Benign to Likely benign.

NM_052865.4(MGME1):c.794C>T (p.Thr265Ile)

Gene: MGME1 (mitochondrial genome maintenance exonuclease 1; plus strand). Cytogenetic location: 20p11.23.
Variant type: single nucleotide variant.
Coding change: c.794C>T on transcript NM_052865.4 (MANE Select); coding-DNA position 794, C replaced by T.
Protein change: p.Thr265Ile; replaces threonine 265 with isoleucine.
Molecular consequence: missense variant. On other transcripts: intron variant (1).
Genome position (GRCh38, 1-based): chr20:17,988,228, C>T. VCF-style: chr20-17988228-C-T. GRCh37 (hg19) VCF-style: chr20-17968871-C-T.
Other names: p.Thr265Ile; c.839C>T, p.Thr280Ile (NM_001310338.2); c.554C>T, p.Thr185Ile (NM_001363738.2); c.512-1711C>T (NM_001310339.2); short protein forms T280I, T265I, T185I.
Identifiers: ClinVar variation 235425 (VCV000235425.56), dbSNP rs76599088, ClinGen allele CA9775037.